The following is an entry in ClinVar:

NM_020433.5(JPH2):c.1871C>G (p.Pro624Arg)

Gene: JPH2 (junctophilin 2; minus strand). Cytogenetic location: 20q13.12.
Variant type: single nucleotide variant.
Coding change: c.1871C>G on transcript NM_020433.5 (MANE Select); coding-DNA position 1871, C replaced by G.
Protein change: p.Pro624Arg; replaces proline 624 with arginine.
Molecular consequence: missense variant.
Genome position (GRCh38, 1-based): chr20:44,115,804, G>C on the plus strand (C>G on the coding strand, the complement: JPH2 is on the minus strand). VCF-style: chr20-44115804-G-C. GRCh37 (hg19) VCF-style: chr20-42744444-G-C.
Other names: short protein forms P624R.
Identifiers: ClinVar variation 1907553 (VCV001907553.5), dbSNP rs2515717757, ClinGen allele CA409099777.

ClinVar aggregate classification (germline): Uncertain significance (1 of 4 stars; one submission).

Conditions:
Hypertrophic cardiomyopathy. Also called: HYPERTROPHIC MYOCARDIOPATHY. Identifiers: Orphanet 217569, MedGen C0007194, MeSH D002312, MONDO:0005045, HP:0001639.

Allele frequency attached by ClinVar (database versions not stated): gnomAD exomes below 0.00001.
gnomAD v4.1: 1 of 1,607,172 alleles (0.000062%); highest among the groups gnomAD compares: South Asian, 0.0011%; no homozygotes.

Submission:

Labcorp Genetics (formerly Invitae), Labcorp
Classification: Uncertain significance for Hypertrophic cardiomyopathy. Last evaluated: 2023-04-25. Review status: criteria provided, single submitter. Criteria: Invitae Variant Classification Sherloc (09022015). Collection method: clinical testing. Allele origin: germline.
Comment: In summary, the available evidence is currently insufficient to determine the role of this variant in disease. Therefore, it has been classified as a Variant of Uncertain Significance. An algorithm developed to predict the effect of missense changes on protein structure and function (PolyPhen-2) suggests that this variant is likely to be disruptive. ClinVar contains an entry for this variant (Variation ID: 1907553). This variant has not been reported in the literature in individuals affected with JPH2-related conditions. This variant is not present in population databases (gnomAD no frequency). This sequence change replaces proline, which is neutral and non-polar, with arginine, which is basic and polar, at codon 624 of the JPH2 protein (p.Pro624Arg).